The following is an entry in ClinVar:

ClinVar aggregate classification (germline): Uncertain significance (1 of 4 stars; one submission).

Conditions:
Wilms tumor 1 (WT1). Also called: Wilms tumor, somatic. Identifiers: Orphanet 654, MedGen CN033288, MONDO:0008679, OMIM 194070.

Submission:

Labcorp Genetics (formerly Invitae), Labcorp
Classification: Uncertain significance for Wilms tumor 1. Last evaluated: 2019-12-04. Review status: criteria provided, single submitter. Criteria: Invitae Variant Classification Sherloc (09022015). Collection method: clinical testing. Allele origin: germline.
Comment: This sequence change replaces arginine with lysine at codon 297 of the GPC3 protein (p.Arg297Lys). The arginine residue is moderately conserved and there is a small physicochemical difference between arginine and lysine. This variant is not present in population databases (ExAC no frequency). In summary, the available evidence is currently insufficient to determine the role of this variant in disease. Therefore, it has been classified as a Variant of Uncertain Significance. Algorithms developed to predict the effect of missense changes on protein structure and function output the following: SIFT: "Tolerated"; PolyPhen-2: "Benign"; Align-GVGD: "Class C0". The lysine amino acid residue is found in multiple mammalian species, suggesting that this missense change does not adversely affect protein function. These predictions have not been confirmed by published functional studies and their clinical significance is uncertain. This variant has not been reported in the literature in individuals with GPC3-related conditions.

NM_004484.4(GPC3):c.890G>A (p.Arg297Lys)

Gene: GPC3 (glypican 3; minus strand). Cytogenetic location: Xq26.2.
Variant type: single nucleotide variant.
Coding change: c.890G>A on transcript NM_004484.4 (MANE Select); coding-DNA position 890, G replaced by A.
Protein change: p.Arg297Lys; replaces arginine 297 with lysine.
Molecular consequence: missense variant.
Genome position (GRCh38, 1-based): chrX:133,753,624, C>T on the plus strand (G>A on the coding strand, the complement: GPC3 is on the minus strand). VCF-style: chrX-133753624-C-T. GRCh37 (hg19) VCF-style: chrX-132887651-C-T.
Other names: c.890G>A, p.Arg297Lys (NM_001164617.2); c.842G>A, p.Arg281Lys (NM_001164618.2); c.728G>A, p.Arg243Lys (NM_001164619.2); short protein forms R281K, R297K, R243K.
Identifiers: ClinVar variation 863802 (VCV000863802.10), dbSNP rs2071690867, ClinGen allele CA414705380.
Genomic context (GRCh38, chrX:133,753,624, plus strand): 5'-TCCATGTCATAGATTCTGTACATGCCATTCACAAGTTCTTCAAGGGACAGAATGTATTCT[C>T]TCCAGTACTTGTCAATCTCCACCACACCTGCCATACAGCCTTGCATGACCACATTGCAGT-3'
Protein context (NP_004475.1, residues 287-307): AGVVEIDKYW[Arg297Lys]EYILSLEELV